The following is an entry in ClinVar:

NM_006361.6(HOXB13):c.580T>G (p.Phe194Val)

Gene: HOXB13 (homeobox B13; minus strand). Cytogenetic location: 17q21.32.
Variant type: single nucleotide variant.
Coding change: c.580T>G on transcript NM_006361.6 (MANE Select); coding-DNA position 580, T replaced by G.
Protein change: p.Phe194Val; replaces phenylalanine 194 with valine.
Molecular consequence: missense variant.
Genome position (GRCh38, 1-based): chr17:48,728,014, A>C on the plus strand (T>G on the coding strand, the complement: HOXB13 is on the minus strand). VCF-style: chr17-48728014-A-C. GRCh37 (hg19) VCF-style: chr17-46805376-A-C.
Other names: short protein forms F194V.
Identifiers: ClinVar variation 1749843 (VCV001749843.2), dbSNP rs780355420, ClinGen allele CA400107142.

ClinVar aggregate classification (germline): Uncertain significance (1 of 4 stars; one submission).

Conditions:
Hereditary cancer-predisposing syndrome. Also called: Hereditary Cancer Syndrome; Hereditary neoplastic syndrome; Neoplastic Syndromes, Hereditary; Tumor predisposition. Identifiers: Orphanet 140162, MedGen C0027672, MeSH D009386, MONDO:0015356.

Submission:

Ambry Genetics
Classification: Uncertain significance for Hereditary cancer-predisposing syndrome. Last evaluated: 2021-12-11. Review status: criteria provided, single submitter. Criteria: Ambry Variant Classification Scheme 2023. Collection method: clinical testing. Allele origin: germline.
Comment: The p.F194V variant (also known as c.580T>G), located in coding exon 1 of the HOXB13 gene, results from a T to G substitution at nucleotide position 580. The phenylalanine at codon 194 is replaced by valine, an amino acid with highly similar properties. This amino acid position is conserved. In addition, this alteration is predicted to be tolerated by in silico analysis. Since supporting evidence is limited at this time, the clinical significance of this alteration remains unclear.